The following is an entry in ClinVar:

ClinVar aggregate classification (germline): Uncertain significance (1 of 4 stars; one submission).

Conditions:
Charcot-Marie-Tooth disease axonal type 2O. Also called: Charcot-Marie-Tooth Neuropathy Type 2O; Charcot-Marie-Tooth disease, axonal, type 20; CHARCOT-MARIE-TOOTH NEUROPATHY, AXONAL, TYPE 2O; CHARCOT-MARIE-TOOTH DISEASE, AXONAL, AUTOSOMAL DOMINANT, TYPE 2O. Identifiers: Orphanet 284232, MedGen C3280220, MONDO:0013644, OMIM 614228.

Allele frequency attached by ClinVar (database versions not stated): gnomAD exomes below 0.00001; ExAC 0.00001; gnomAD 0.00001.
gnomAD v4.1: 19 of 1,613,268 alleles (0.0012%); highest among the groups gnomAD compares: Non-Finnish European, 0.0016%; no homozygotes.

Submission:

Labcorp Genetics (formerly Invitae), Labcorp
Classification: Uncertain significance for Charcot-Marie-Tooth disease axonal type 2O. Last evaluated: 2020-07-09. Review status: criteria provided, single submitter. Criteria: Invitae Variant Classification Sherloc (09022015). Collection method: clinical testing. Allele origin: germline.
Comment: This sequence change replaces lysine with asparagine at codon 3819 of the DYNC1H1 protein (p.Lys3819Asn). The lysine residue is moderately conserved and there is a moderate physicochemical difference between lysine and asparagine. Algorithms developed to predict the effect of missense changes on protein structure and function (SIFT, PolyPhen-2, Align-GVGD) all suggest that this variant is likely to be tolerated, but these predictions have not been confirmed by published functional studies and their clinical significance is uncertain. In summary, the available evidence is currently insufficient to determine the role of this variant in disease. Therefore, it has been classified as a Variant of Uncertain Significance. This variant is present in population databases (rs756719644, ExAC 0.002%). This variant has not been reported in the literature in individuals with DYNC1H1-related conditions.

NM_001376.5(DYNC1H1):c.11457G>C (p.Lys3819Asn)

Gene: DYNC1H1 (dynein cytoplasmic 1 heavy chain 1; plus strand). Cytogenetic location: 14q32.31.
Variant type: single nucleotide variant.
Coding change: c.11457G>C on transcript NM_001376.5 (MANE Select); coding-DNA position 11457, G replaced by C.
Protein change: p.Lys3819Asn; replaces lysine 3819 with asparagine.
Molecular consequence: missense variant.
Genome position (GRCh38, 1-based): chr14:102,039,251, G>C. VCF-style: chr14-102039251-G-C. GRCh37 (hg19) VCF-style: chr14-102505588-G-C.
Other names: short protein forms K3819N.
Identifiers: ClinVar variation 1047058 (VCV001047058.8), dbSNP rs756719644, ClinGen allele CA7353589.